The following is an entry in ClinVar:

NM_001382241.1(TNPO2):c.466G>T (p.Asp156Tyr)

Gene: TNPO2 (transportin 2; minus strand). Cytogenetic location: 19p13.13.
Variant type: single nucleotide variant.
Coding change: c.466G>T on transcript NM_001382241.1 (MANE Select); coding-DNA position 466, G replaced by T.
Protein change: p.Asp156Tyr; replaces aspartic acid 156 with tyrosine.
Molecular consequence: missense variant. On other transcripts: non-coding transcript variant (6).
Genome position (GRCh38, 1-based): chr19:12,715,505, C>A on the plus strand (G>T on the coding strand, the complement: TNPO2 is on the minus strand). VCF-style: chr19-12715505-C-A. GRCh37 (hg19) VCF-style: chr19-12826319-C-A.
Other names: c.466G>T, p.Asp156Tyr (NM_001136195.2, NM_001136196.2, NM_001382236.1 and 7 more transcripts); short protein forms D156Y.
Identifiers: ClinVar variation 2225477 (VCV002225477.3), dbSNP rs2145582779, ClinGen allele CA404251747.

ClinVar aggregate classification (germline): Likely pathogenic (1 of 4 stars; one submission).

Conditions:
Inborn genetic diseases. Identifiers: MedGen C0950123, MeSH D030342.

Submission:

Ambry Genetics
Classification: Likely pathogenic for Inborn genetic diseases. Last evaluated: 2025-11-12. Review status: criteria provided, single submitter. Criteria: Ambry Variant Classification Scheme 2023. Collection method: clinical testing. Allele origin: germline.
Comment: The c.466G>T (p.D156Y) alteration is located in exon 6 (coding exon 5) of the TNPO2 gene. This alteration results from a G to T substitution at nucleotide position 466, causing the aspartic acid (D) at amino acid position 156 to be replaced by a tyrosine (Y). This variant was not reported in population-based cohorts in the Genome Aggregation Database (gnomAD). This amino acid position is highly conserved in available vertebrate species. This missense alteration is located in a region that has a low rate of benign missense variation (Lek, 2016; Firth, 2009). This alteration is predicted to be deleterious by in silico analysis. Based on the available evidence, this alteration is classified as likely pathogenic.